The following is an entry in ClinVar:

NM_000053.4(ATP7B):c.732del (p.Asn244fs)

Gene: ATP7B (ATPase copper transporting beta; minus strand). Cytogenetic location: 13q14.3.
Variant type: Deletion.
Coding change: c.732del on transcript NM_000053.4 (MANE Select); coding-DNA position 732, one base deleted (T; older notation c.732delT).
Protein change: p.Asn244fs; shifts the reading frame from asparagine 244.
Molecular consequence: frameshift variant.
Genome position (GRCh38, 1-based): chr13:51,974,488, A deleted on the plus strand (T on the coding strand, the reverse complement: ATP7B is on the minus strand). VCF-style (leftmost placement, unchanged base first): chr13-51974487-TA-T. GRCh37 (hg19) VCF-style: chr13-52548623-TA-T.
Other names: c.732del, p.Asn244fs (NM_001243182.2, NM_001330578.2, NM_001330579.2 and 30 more transcripts); c.636del, p.Asn212fs (NM_001406517.1, NM_001406518.1, NM_001406530.1 and 4 more transcripts); short protein forms N212fs, N244fs.
Identifiers: ClinVar variation 3234895 (VCV003234895.1), dbSNP rs2547819253, ClinGen allele CA2825002195.

ClinVar aggregate classification (germline): Likely pathogenic (1 of 4 stars; one submission).

Conditions:
Wilson disease (WND). Also called: Wilson's disease. Identifiers: Orphanet 905, MedGen C0019202, MONDO:0010200, OMIM 277900. Disease mechanism: loss of function.

Submission:

Neuberg Centre For Genomic Medicine, NCGM
Classification: Likely pathogenic for Wilson disease. Review status: criteria provided, single submitter. Criteria: ACMG Guidelines, 2015. Collection method: clinical testing. Allele origin: germline. Inheritance: Autosomal recessive inheritance. Affected: yes.
Comment: The frameshift c.732del p.Asn244LysfsTer18 variant in the ATP7B gene has not been reported previously as a pathogenic variant nor as a benign variant, to our knowledge. The variant is novel not in any individuals in gnomAD Exomes and 1000 Genomes. This variant causes a frameshift starting with codon Asparagine 244, changes this amino acid to Lysine residue, and creates a premature Stop codon at position 18 of the new reading frame, denoted p.Asn244LysfsTer18. This variant is predicted to cause loss of normal protein function through protein truncation. Loss of function variants have been previously reported to be disease causing. For these reasons, this variant has been classified as Likely Pathogenic.